The following is an entry in ClinVar:

NM_016589.4(TIMMDC1):c.176G>A (p.Arg59Gln)

Gene: TIMMDC1 (translocase of inner mitochondrial membrane domain containing 1; plus strand). Cytogenetic location: 3q13.33.
Variant type: single nucleotide variant.
Coding change: c.176G>A on transcript NM_016589.4 (MANE Select); coding-DNA position 176, G replaced by A.
Protein change: p.Arg59Gln; replaces arginine 59 with glutamine.
Molecular consequence: missense variant.
Genome position (GRCh38, 1-based): chr3:119,498,909, G>A. VCF-style: chr3-119498909-G-A. GRCh37 (hg19) VCF-style: chr3-119217756-G-A.
Other names: short protein forms R59Q.
Identifiers: ClinVar variation 2041934 (VCV002041934.2), dbSNP rs142917333, ClinGen allele CA2555130.

ClinVar aggregate classification (germline): Uncertain significance (1 of 4 stars; one submission).

Allele frequency attached by ClinVar (database versions not stated): ExAC 0.00030; TOPMed 0.00037; gnomAD 0.00038; ESP Exome Variant Server 0.00062.
gnomAD v4.1: 836 of 1,614,008 alleles (0.052%); highest among the groups gnomAD compares: Non-Finnish European, 0.066%; no homozygotes.

Submission:

Labcorp Genetics (formerly Invitae), Labcorp
Classification: Uncertain significance. Last evaluated: 2022-11-29. Review status: criteria provided, single submitter. Criteria: Invitae Variant Classification Sherloc (09022015). Collection method: clinical testing. Allele origin: germline.
Comment: In summary, the available evidence is currently insufficient to determine the role of this variant in disease. Therefore, it has been classified as a Variant of Uncertain Significance. Advanced modeling of protein sequence and biophysical properties (such as structural, functional, and spatial information, amino acid conservation, physicochemical variation, residue mobility, and thermodynamic stability) performed at Invitae indicates that this missense variant is not expected to disrupt TIMMDC1 protein function. This variant has not been reported in the literature in individuals affected with TIMMDC1-related conditions. This variant is present in population databases (rs142917333, gnomAD 0.06%). This sequence change replaces arginine, which is basic and polar, with glutamine, which is neutral and polar, at codon 59 of the TIMMDC1 protein (p.Arg59Gln).